The following is an entry in ClinVar:

NM_001081.4(CUBN):c.5350C>T (p.Gln1784Ter)

Gene: CUBN (cubilin; minus strand). Cytogenetic location: 10p13.
Variant type: single nucleotide variant.
Coding change: c.5350C>T on transcript NM_001081.4 (MANE Select); coding-DNA position 5350, C replaced by T.
Protein change: p.Gln1784Ter; replaces glutamine 1784 with a stop codon.
Molecular consequence: nonsense.
Genome position (GRCh38, 1-based): chr10:16,940,230, G>A on the plus strand (C>T on the coding strand, the complement: CUBN is on the minus strand). VCF-style: chr10-16940230-G-A. GRCh37 (hg19) VCF-style: chr10-16982229-G-A.
Other names: short protein forms Q1784*.
Identifiers: ClinVar variation 3692415 (VCV003692415.2).

ClinVar aggregate classification (germline): Pathogenic (1 of 4 stars; one submission).

Conditions:
Imerslund-Grasbeck syndrome. Also called: Imerslund-Gräsbeck syndrome; Megaloblastic anemia due to inborn errors of metabolism; ENTEROCYTE COBALAMIN MALABSORPTION; ENTEROCYTE INTRINSIC FACTOR RECEPTOR, DEFECT OF; PERNICIOUS ANEMIA, JUVENILE, DUE TO SELECTIVE INTESTINAL MALABSORPTION OF VITAMIN B12, WITH PROTEINURIA. Identifiers: Orphanet 35858, MedGen C4551825, MONDO:0009853.

Submission:

Labcorp Genetics (formerly Invitae), Labcorp
Classification: Pathogenic for Imerslund-Grasbeck syndrome. Last evaluated: 2024-04-17. Review status: criteria provided, single submitter. Criteria: Invitae Variant Classification Sherloc (09022015). Collection method: clinical testing. Allele origin: germline.
Comment: This sequence change creates a premature translational stop signal (p.Gln1784*) in the CUBN gene. It is expected to result in an absent or disrupted protein product. Loss-of-function variants in CUBN are known to be pathogenic (PMID: 15024727, 22929189, 25349199, 31613795, 34979989). This variant is not present in population databases (gnomAD no frequency). This variant has not been reported in the literature in individuals affected with CUBN-related conditions. For these reasons, this variant has been classified as Pathogenic.

Literature cited by the submitters: PubMed 15024727; PubMed 22929189; PubMed 25349199; PubMed 31613795; PubMed 34979989.